The following is an entry in ClinVar:

ClinVar aggregate classification (germline): Likely pathogenic (1 of 4 stars; one submission).

Conditions:
Cognitive impairment with or without cerebellar ataxia (CIAT). Identifiers: MedGen C3280415, MONDO:0013680, OMIM 614306.

Submission:

Institute of Human Genetics, University of Leipzig Medical Center
Classification: Likely pathogenic for Cognitive impairment with or without cerebellar ataxia. Last evaluated: 2026-01-14. Review status: criteria provided, single submitter. Criteria: ACMG Guidelines, 2015. Collection method: clinical testing. Allele origin: maternal. Inheritance: Autosomal dominant inheritance. Affected: yes.
Comment: Criteria applied: PVS1,PM2_SUP

NM_001330260.2(SCN8A):c.2112del (p.Thr705fs)

Gene: SCN8A (sodium voltage-gated channel alpha subunit 8; plus strand). Cytogenetic location: 12q13.13.
Variant type: Deletion.
Coding change: c.2112del on transcript NM_001330260.2 (MANE Select); coding-DNA position 2112, one base deleted (T; older notation c.2112delT).
Protein change: p.Thr705fs; shifts the reading frame from threonine 705.
Molecular consequence: frameshift variant.
Genome position (GRCh38, 1-based): chr12:51,746,016, T deleted; the last of 2 consecutive T bases (chr12:51,746,015-51,746,016); deleting either gives the same sequence. VCF-style (leftmost placement, unchanged base first): chr12-51746014-GT-G. GRCh37 (hg19) VCF-style: chr12-52139798-GT-G.
Other names: c.2112del, p.Thr705fs (NM_001177984.3, NM_001369788.1, NM_014191.4); short protein forms T705fs.
Identifiers: ClinVar variation 4683118 (VCV004683118.2).
Genomic context (GRCh38, chr12:51,746,014, plus strand): 5'-TCCATGGACCAATTAGCCTCCTACGGGCGGAAGGACAGAATCAACAGTATAATGAGTGTT[GT>G]TACAAATACACTAGTAGAAGGTATGTGCCCTATAATGTCAGTCCAACCGCTGAGATATAA-3'